The following is an entry in ClinVar:

ClinVar aggregate classification (germline): Conflicting classifications of pathogenicity. Review status: criteria provided, conflicting classifications (1 of 4 stars). 16 submissions from 16 submitters: Uncertain significance (1); Benign (3); Likely benign (8). 4 of the submissions do not count toward it. Last evaluated 2026-01-31.

Conditions:
PALB2-related disorder. Also called: PALB2-related condition; PALB2-related disorders.
Hereditary cancer-predisposing syndrome. Also called: Tumor predisposition; Neoplastic Syndromes, Hereditary; Hereditary Cancer Syndrome; Hereditary neoplastic syndrome. Identifiers: Orphanet 140162, MedGen C0027672, MeSH D009386, MONDO:0015356.
Carcinoma of colon (CRC). Also called: Colon carcinoma; Colonic carcinoma. Identifiers: MedGen C0699790, MONDO:0002032.
Familial cancer of breast. Also called: hereditary breast carcinoma; BREAST CANCER, FAMILIAL; Hereditary breast cancer. Identifiers: Orphanet 227535, MedGen C0346153, MONDO:0016419, OMIM 114480. Disease mechanism: loss of function.
Fanconi anemia complementation group N. Also called: PALB2-Related Fanconi Anemia. Identifiers: Orphanet 84, MedGen C1835817, MONDO:0012565, OMIM 610832. Disease mechanism: loss of function.

Allele frequency attached by ClinVar (database versions not stated): ESP Exome Variant Server 0.00015; gnomAD 0.00004; ExAC 0.00005; TOPMed 0.00006.
gnomAD v4.1: 70 of 1,613,996 alleles (0.0043%); highest among the groups gnomAD compares: East Asian, 0.056%; no homozygotes.

Submissions (16):

Labcorp Genetics (formerly Invitae), Labcorp
Classification: Benign for Familial cancer of breast. Last evaluated: 2026-01-31. Review status: criteria provided, single submitter. Criteria: Invitae Variant Classification Sherloc (09022015). Collection method: clinical testing. Allele origin: germline.

Ambry Genetics
Classification: Likely benign for Hereditary cancer-predisposing syndrome. Last evaluated: 2024-11-14. Review status: criteria provided, single submitter. Criteria: Ambry Variant Classification Scheme 2023. Collection method: clinical testing. Allele origin: germline.

CeGaT Center for Human Genetics Tuebingen
Classification: Likely benign. Last evaluated: 2023-08-01. Review status: criteria provided, single submitter. Criteria: CeGaT Center For Human Genetics Tuebingen Variant Classification Criteria Version 2. Collection method: clinical testing. Allele origin: germline. Affected: yes. Observed: 1 variant allele.
Comment: PALB2: BP4, BP7

Quest Diagnostics Nichols Institute San Juan Capistrano
Classification: Likely benign. Last evaluated: 2023-06-30. Review status: criteria provided, single submitter. Criteria: Quest Diagnostics criteria. Collection method: clinical testing. Allele origin: unknown.

Myriad Genetics, Inc.
Classification: Benign for Familial cancer of breast. Last evaluated: 2023-03-30. Review status: criteria provided, single submitter. Criteria: Myriad Autosomal Dominant, Autosomal Recessive and X-Linked Classification Criteria (2023). Collection method: clinical testing. Allele origin: unknown.
Comment: This variant is considered benign. This variant is a silent/synonymous amino acid change and it is not expected to impact splicing.

Sema4
Classification: Likely benign for Hereditary cancer-predisposing syndrome. Last evaluated: 2022-02-02. Review status: criteria provided, single submitter. Criteria: Sema4 Curation Guidelines. Collection method: curation. Allele origin: germline.

Genetic Services Laboratory, University of Chicago
Classification: Likely benign. Last evaluated: 2021-07-29. Review status: criteria provided, single submitter. Criteria: ACMG Guidelines, 2015. Collection method: clinical testing. Allele origin: germline. Affected: no.

Women's Health and Genetics/Laboratory Corporation of America, LabCorp
Classification: Benign. Last evaluated: 2018-04-23. Review status: criteria provided, single submitter. Criteria: LabCorp Variant Classification Summary - May 2015. Collection method: clinical testing. Allele origin: germline.
Comment: Variant summary: PALB2 c.2067G>A alters a non-conserved nucleotide resulting in a synonymous change. 5/5 computational tools predict no significant impact on normal splicing. However, these predictions have yet to be confirmed by functional studies. The variant was observed with an allele frequency of 3.2e-05 in 246256 control chromosomes (gnomAD). The observed variant frequency within East Asian control individuals in the gnomAD database is approximately 2-folds higher than the estimated maximal expected allele frequency for a pathogenic variant in PALB2 causing Hereditary Breast and Ovarian Cancer phenotype (0.00016), strongly suggesting that the variant is a benign polymorphism found primarily in populations of East Asian origin. The variant, c.2067G>A, has been reported in the literature in individuals affected with Hereditary Breast and Ovarian Cancer (Phuah_2013, Thompson_2015). These report(s) do not provide unequivocal conclusions about association of the variant with Hereditary Breast and Ovarian Cancer. To our knowledge, no experimental evidence demonstrating an impact on protein function has been reported. Multiple ClinVar submissions from clinical diagnostic laboratories (evaluation after 2014) cite the variant as "likely benign/benign." Based on the evidence outlined above, the variant was classified as benign.

Illumina Laboratory Services, Illumina
Classification: Uncertain significance for Fanconi anemia complementation group N. Last evaluated: 2017-09-11. Review status: criteria provided, single submitter. Criteria: ICSL Variant Classification Criteria 13 December 2019. Collection method: clinical testing. Allele origin: germline.
Comment: This variant was observed as part of a predisposition screen in an ostensibly healthy population. A literature search was performed for the gene, cDNA change, and amino acid change (where applicable). Publications were found based on this search. However, the evidence from the literature, in combination with allele frequency data from public databases where available, was not sufficient to rule this variant in or out of causing disease. Therefore, this variant is classified as a variant of unknown significance.

GeneDx
Classification: Likely benign. Last evaluated: 2017-06-15. Review status: criteria provided, single submitter. Criteria: GeneDx Variant Classification (06012015). Collection method: clinical testing. Allele origin: germline. Affected: yes.
Comment: This variant is considered likely benign or benign based on one or more of the following criteria: it is a conservative change, it occurs at a poorly conserved position in the protein, it is predicted to be benign by multiple in silico algorithms, and/or has population frequency not consistent with disease.

Color Diagnostics, LLC DBA Color Health
Classification: Likely benign for Hereditary cancer-predisposing syndrome. Last evaluated: 2016-10-11. Review status: criteria provided, single submitter. Criteria: ACMG Guidelines, 2015. Collection method: clinical testing. Allele origin: germline.

Cancer Genetics Laboratory, Peter MacCallum Cancer Centre
Classification: Likely benign for Familial cancer of breast. Last evaluated: 2015-06-01. Review status: criteria provided, single submitter. Criteria: Thompson et al. (Breast Cancer Res. 2015). Collection method: case-control. Allele origin: germline. Affected: yes. Observed: 1 variant allele, 1 heterozygote.

PreventionGenetics, part of Exact Sciences
Classification: Likely benign for PALB2-related condition. Last evaluated: 2022-12-27. Review status: no assertion criteria provided. Collection method: clinical testing. Allele origin: germline. Not counted in ClinVar's aggregate classification.
Comment: This variant is classified as likely benign based on ACMG/AMP sequence variant interpretation guidelines (Richards et al. 2015 PMID: 25741868, with internal and published modifications).

Leiden Open Variation Database
Classification: Likely benign for Familial cancer of breast. Last evaluated: 2019-05-13. Review status: no assertion criteria provided. Collection method: curation. Allele origin: germline. Affected: no. Not counted in ClinVar's aggregate classification.
Comment: Curators: Marc Tischkowitz, Arleen D. Auerbach. Submitters to LOVD: Marc Tischkowitz, Yukihide Momozawa.

Counsyl
Classification: Likely benign for Familial cancer of breast. Last evaluated: 2017-04-04. Review status: no assertion criteria provided. Collection method: clinical testing. Allele origin: unknown. Not counted in ClinVar's aggregate classification.

Department of Pathology and Laboratory Medicine, Sinai Health System
Classification: Likely benign for Carcinoma of colon. Review status: no assertion criteria provided. Collection method: clinical testing. Allele origin: unknown. Affected: yes. Study: The Canadian Open Genetics Repository (COGR). Not counted in ClinVar's aggregate classification.
Comment: The PALB2 p.Ser689= variant was identified in 14 of 16340 proband chromosomes (frequency: 0.0009) from individuals or families with breast cancer and was present in 36 of 22482 control chromosomes (frequency: 0.002) from healthy individuals (Momozawa 2018, Phuah 2013, Thompson 2015). The variant was also identified in dbSNP (ID: rs371149159) as "With Likely benign, other allele", ClinVar (classified as benign by Invitae; as likely benign by Ambry Genetics, GeneDx, and three other submitters), and in LOVD 3.0 (4X). The variant was identified in control databases in 8 of 246256 chromosomes at a frequency of 0.00003 (Genome Aggregation Database Feb 27, 2017). The variant was observed in the following populations: European in 1 of 111712 chromosomes (freq: 0.000009), East Asian in 6 of 17248 chromosomes (freq: 0.0004), and South Asian in 1 of 30782 chromosomes (freq: 0.00003); it was not observed in the African, Other, Latino, Ashkenazi Jewish, and Finnish, populations. The p.Ser689= variant is not expected to have clinical significance because it does not result in a change of amino acid and is not located in a known consensus splice site. In addition, in silico or computational prediction software programs (SpliceSiteFinder, MaxEntScan, NNSPLICE, GeneSplicer) do not predict a difference in splicing. In summary, based on the above information the clinical significance of this variant cannot be determined with certainty at this time although we would lean towards a more benign role for this variant. This variant is classified as likely benign.

Literature cited by the submitters: PubMed 26283626 (cited by 4 submitters); PubMed 23977390 (cited by 5 submitters); PubMed 30287823 (cited by Quest Diagnostics Nichols Institute San Juan Capistrano and Leiden Open Variation Database); PubMed 31214711 (cited by Quest Diagnostics Nichols Institute San Juan Capistrano).

NM_024675.4(PALB2):c.2067G>A (p.Ser689=)

Gene: PALB2 (partner and localizer of BRCA2; minus strand). Cytogenetic location: 16p12.2.
Variant type: single nucleotide variant.
Coding change: c.2067G>A on transcript NM_024675.4 (MANE Select); coding-DNA position 2067, G replaced by A.
Protein change: p.Ser689=; no amino-acid change (serine 689 retained).
Molecular consequence: synonymous variant.
Genome position (GRCh38, 1-based): chr16:23,630,087, C>T on the plus strand (G>A on the coding strand, the complement: PALB2 is on the minus strand). VCF-style: chr16-23630087-C-T. GRCh37 (hg19) VCF-style: chr16-23641408-C-T.
Identifiers: ClinVar variation 185889 (VCV000185889.59), dbSNP rs371149159, ClinGen allele CA193263.